The following is an entry in ClinVar:

NM_000169.3(GLA):c.700G>T (p.Asp234Tyr)

Genes: GLA (galactosidase alpha; minus strand), RPL36A-HNRNPH2 (RPL36A-HNRNPH2 readthrough; plus strand). Cytogenetic location: Xq22.1.
Variant type: single nucleotide variant.
Coding change: c.700G>T on transcript NM_000169.3 (MANE Select); coding-DNA position 700, G replaced by T.
Protein change: p.Asp234Tyr; replaces aspartic acid 234 with tyrosine.
Molecular consequence: missense variant. On other transcripts: non-coding transcript variant (3), intron variant (2).
Genome position (GRCh38, 1-based): chrX:101,398,886, C>A on the plus strand (G>T on the coding strand, the complement: GLA is on the minus strand). VCF-style: chrX-101398886-C-A. GRCh37 (hg19) VCF-style: chrX-100653874-C-A.
Other names: c.823G>T, p.Asp275Tyr (NM_001406747.1); c.700G>T, p.Asp234Tyr (NM_001406748.1); c.300+3429C>A (NM_001199973.2); c.177+7064C>A (NM_001199974.2); short protein forms D234Y, D275Y.
Identifiers: ClinVar variation 1432437 (VCV001432437.8), dbSNP rs1057524557, ClinGen allele CA413924718.

ClinVar aggregate classification (germline): Likely pathogenic. Review status: criteria provided, multiple submitters, no conflicts (2 of 4 stars). 3 submissions from 3 submitters: Likely pathogenic (3). Last evaluated 2026-09-08.

Conditions:
Fabry disease. Also called: Angiokeratoma corporis diffusum; CERAMIDE TRIHEXOSIDASE DEFICIENCY; GLA DEFICIENCY; HEREDITARY DYSTOPIC LIPIDOSIS; Fabry's disease; ALPHA-GALACTOSIDASE A DEFICIENCY. Identifiers: Orphanet 324, MedGen C0002986, MONDO:0010526, OMIM 301500, HP:0001071. Disease mechanism: Fabry disease is due to inactivating mutations in the X-linked GLA gene resulting in deficiency of the enzyme Alpha Galactosidase-A., loss of function.
GLA-related disorder. Also called: GLA-related condition.

Submissions (3):

Genomenon, Inc
Classification: Likely pathogenic for Fabry disease. Last evaluated: 2026-09-08. Review status: criteria provided, single submitter. Criteria: Genomenon Sequence Variant Interpretation Standards - Updated. Collection method: curation. Allele origin: germline. Affected: yes.
Comment: GLA p.Asp234Tyr (c.700G>T) is a missense variant that changes the amino acid at codon 234 from Aspartic acid to Tyrosine. This variant has been observed in at least one proband with clinical features consistent with Fabry disease (PMID:16148726;12175777). At least one functional study has demonstrated a substantial alteration in protein function relative to the wild-type (PMID:27657681). It is absent or not present at a significant frequency in gnomAD. In silico models predict that this variant is possibly or probably damaging. In conclusion, we classify GLA p.Asp234Tyr (c.700G>T) as a likely pathogenic variant.

Labcorp Genetics (formerly Invitae), Labcorp
Classification: Likely pathogenic for Fabry disease. Last evaluated: 2024-02-19. Review status: criteria provided, single submitter. Criteria: Invitae Variant Classification Sherloc (09022015). Collection method: clinical testing. Allele origin: germline.
Comment: This sequence change replaces aspartic acid, which is acidic and polar, with tyrosine, which is neutral and polar, at codon 234 of the GLA protein (p.Asp234Tyr). This variant is not present in population databases (gnomAD no frequency). This missense change has been observed in individual(s) with clinical features consistent with Fabry disease (PMID: 12175777; Invitae). ClinVar contains an entry for this variant (Variation ID: 1432437). Advanced modeling of protein sequence and biophysical properties (such as structural, functional, and spatial information, amino acid conservation, physicochemical variation, residue mobility, and thermodynamic stability) performed at Invitae indicates that this missense variant is expected to disrupt GLA protein function with a positive predictive value of 80%. In summary, the currently available evidence indicates that the variant is pathogenic, but additional data are needed to prove that conclusively. Therefore, this variant has been classified as Likely Pathogenic.

Blueprint Genetics
Classification: Likely pathogenic for GLA-related disorders. Last evaluated: 2021-02-25. Review status: criteria provided, single submitter. Criteria: ACMG Guidelines, 2015. Collection method: clinical testing. Allele origin: germline. Affected: yes. Observed: 1 variant allele.

Literature cited by the submitters: PubMed 16148726 (cited by Genomenon, Inc); PubMed 12175777 (cited by Genomenon, Inc and Labcorp Genetics (formerly Invitae), Labcorp); PubMed 27657681 (cited by Genomenon, Inc).